The following is an entry in ClinVar:

ClinVar aggregate classification (germline): Pathogenic (1 of 4 stars; one submission).

Conditions:
Intellectual developmental disorder, autosomal recessive 58. Also called: Intellectual disability, autosomal recessive 58. Identifiers: MedGen C4310641, MONDO:0014996, OMIM 617270.

gnomAD v4.1: 2 of 1,613,354 alleles (0.00012%); highest among the groups gnomAD compares: Non-Finnish European, 0.00017%; no homozygotes.

Submission:

Women's Health and Genetics/Laboratory Corporation of America, LabCorp
Classification: Pathogenic for Intellectual developmental disorder, autosomal recessive 58. Last evaluated: 2024-06-13. Review status: criteria provided, single submitter. Criteria: LabCorp Variant Classification Summary - May 2015. Collection method: clinical testing. Allele origin: germline.
Comment: Variant summary: ELP2 c.907C>T (p.Gln303X) results in a premature termination codon, predicted to cause a truncation of the encoded protein or absence of the protein due to nonsense mediated decay, which are commonly known mechanisms for disease. The variant was absent in 251104 control chromosomes. To our knowledge, no occurrence of c.907C>T in individuals affected with Mental Retardation, Autosomal Recessive 58 and no experimental evidence demonstrating its impact on protein function have been reported. No submitters have cited clinical-significance assessments for this variant to ClinVar. Based on the evidence outlined above, the variant was classified as pathogenic.

NM_018255.4(ELP2):c.907C>T (p.Gln303Ter)

Gene: ELP2 (elongator acetyltransferase complex subunit 2; plus strand). Cytogenetic location: 18q12.2.
Variant type: single nucleotide variant.
Coding change: c.907C>T on transcript NM_018255.4 (MANE Select); coding-DNA position 907, C replaced by T.
Protein change: p.Gln303Ter; replaces glutamine 303 with a stop codon.
Molecular consequence: nonsense. On other transcripts: non-coding transcript variant (4).
Genome position (GRCh38, 1-based): chr18:36,145,962, C>T. VCF-style: chr18-36145962-C-T. GRCh37 (hg19) VCF-style: chr18-33725925-C-T.
Other names: c.1102C>T, p.Gln368Ter (NM_001242875.3); c.1024C>T, p.Gln342Ter (NM_001242876.3, NM_001324466.2); c.829C>T, p.Gln277Ter (NM_001242877.3, NM_001242878.3); c.697C>T, p.Gln233Ter (NM_001242879.3); c.907C>T, p.Gln303Ter (NM_001324465.2, NM_001324467.2); c.460C>T, p.Gln154Ter (NM_001324468.2); short protein forms Q154*, Q233*, Q277*, Q303*, Q342*, Q368*.
Identifiers: ClinVar variation 3339533 (VCV003339533.1).